The following is an entry in ClinVar:

NM_015922.3(NSDHL):c.790-5G>A

Gene: NSDHL (NAD(P) dependent 3-beta-hydroxysteroid dehydrogenase NSDHL; plus strand). Cytogenetic location: Xq28.
Variant type: single nucleotide variant.
Coding change: c.790-5G>A on transcript NM_015922.3 (MANE Select); 5 bases into the intron before coding-DNA position 790, G replaced by A.
Molecular consequence: intron variant.
Genome position (GRCh38, 1-based): chrX:152,868,779, G>A. VCF-style: chrX-152868779-G-A. GRCh37 (hg19) VCF-style: chrX-152037323-G-A.
Other names: c.790-5G>A (NM_001129765.2).
Identifiers: ClinVar variation 159455 (VCV000159455.9), dbSNP rs377291339, ClinGen allele CA172882.

ClinVar aggregate classification (germline): Benign/Likely benign. Review status: criteria provided, multiple submitters, no conflicts (2 of 4 stars). 3 submissions from 3 submitters: Benign (1); Likely benign (2). Last evaluated 2023-05-30.

Allele frequency attached by ClinVar (database versions not stated): ExAC 0.00001; gnomAD 0.00001; gnomAD exomes 0.00003; TOPMed 0.00003; ESP Exome Variant Server 0.00009.
gnomAD v4.1: 36 of 1,203,895 alleles (0.003%); highest among the groups gnomAD compares: South Asian, 0.0035%; no homozygotes.

Submissions (3):

Labcorp Genetics (formerly Invitae), Labcorp
Classification: Benign. Last evaluated: 2023-05-30. Review status: criteria provided, single submitter. Criteria: Invitae Variant Classification Sherloc (09022015). Collection method: clinical testing. Allele origin: germline.

GeneDx
Classification: Likely benign. Last evaluated: 2018-04-30. Review status: criteria provided, single submitter. Criteria: GeneDx Variant Classification (06012015). Collection method: clinical testing. Allele origin: germline. Affected: yes.
Comment: This variant is considered likely benign or benign based on one or more of the following criteria: it is a conservative change, it occurs at a poorly conserved position in the protein, it is predicted to be benign by multiple in silico algorithms, and/or has population frequency not consistent with disease.

Genetic Services Laboratory, University of Chicago
Classification: Likely benign. Last evaluated: 2013-11-14. Review status: criteria provided, single submitter. Criteria: ACMG Guidelines, 2007. Collection method: clinical testing. Allele origin: germline. Inheritance: X-linked inheritance.